The following is an entry in ClinVar:

ClinVar aggregate classification (germline): Conflicting classifications of pathogenicity. Review status: criteria provided, conflicting classifications (1 of 4 stars). 2 submissions from 2 submitters: Likely pathogenic (1); Uncertain significance (1). Last evaluated 2025-03-26.

Conditions:
Niemann-Pick disease, type C1. Also called: NEUROVISCERAL STORAGE DISEASE WITH VERTICAL SUPRANUCLEAR OPHTHALMOPLEGIA; NIEMANN-PICK DISEASE WITH CHOLESTEROL ESTERIFICATION BLOCK; NIEMANN-PICK DISEASE WITHOUT SPHINGOMYELINASE DEFICIENCY; NIEMANN-PICK DISEASE, CHRONIC NEURONOPATHIC FORM; NIEMANN-PICK DISEASE, VARIANT TYPE C1. Identifiers: Orphanet 646, MedGen C3179455, MONDO:0009757, OMIM 257220.

Submissions (2):

First Genomix Gene Laboratory, Genetic Diagnostics Department
Classification: Likely pathogenic for Niemann-Pick disease, type C1. Last evaluated: 2025-03-26. Review status: criteria provided, single submitter. Criteria: ACMG Guidelines, 2015. Collection method: clinical testing. Allele origin: germline. Inheritance: Autosomal recessive inheritance. Affected: no. Observed: 1 variant allele.

Blueprint Genetics
Classification: Uncertain significance. Last evaluated: 2024-10-14. Review status: criteria provided, single submitter. Criteria: ACMG Guidelines, 2015. Collection method: clinical testing. Allele origin: germline.

NM_000271.5(NPC1):c.3581T>C (p.Met1194Thr)

Gene: NPC1 (NPC intracellular cholesterol transporter 1; minus strand). Cytogenetic location: 18q11.2.
Variant type: single nucleotide variant.
Coding change: c.3581T>C on transcript NM_000271.5 (MANE Select); coding-DNA position 3581, T replaced by C.
Protein change: p.Met1194Thr; replaces methionine 1194 with threonine.
Molecular consequence: missense variant.
Genome position (GRCh38, 1-based): chr18:23,534,456, A>G on the plus strand (T>C on the coding strand, the complement: NPC1 is on the minus strand). VCF-style: chr18-23534456-A-G. GRCh37 (hg19) VCF-style: chr18-21114420-A-G.
Other names: short protein forms M1194T.
Identifiers: ClinVar variation 4845810 (VCV004845810.2).